The following is an entry in ClinVar:

NM_001849.4(COL6A2):c.2490G>A (p.Arg830=)

Gene: COL6A2 (collagen type VI alpha 2 chain; plus strand). Cytogenetic location: 21q22.3.
Variant type: single nucleotide variant.
Coding change: c.2490G>A on transcript NM_001849.4 (MANE Select); coding-DNA position 2490, G replaced by A.
Protein change: p.Arg830=; no amino-acid change (arginine 830 retained).
Molecular consequence: synonymous variant.
Genome position (GRCh38, 1-based): chr21:46,131,982, G>A. VCF-style: chr21-46131982-G-A. GRCh37 (hg19) VCF-style: chr21-47551896-G-A.
Identifiers: ClinVar variation 502157 (VCV000502157.39), dbSNP rs748047522, ClinGen allele CA10072905.

ClinVar aggregate classification (germline): Conflicting classifications of pathogenicity. Review status: criteria provided, conflicting classifications (1 of 4 stars). 3 submissions from 3 submitters: Uncertain significance (1); Likely benign (2). Last evaluated 2025-10-01.

Conditions:
Bethlem myopathy 1A. Also called: MYOPATHY, BENIGN CONGENITAL, WITH CONTRACTURES; Bethlem Muscular Dystrophy; Bethlem myopathy 1. Identifiers: Orphanet 610, MedGen CN029274, MONDO:0024530, OMIM 158810.

Allele frequency attached by ClinVar (database versions not stated): gnomAD exomes 0.00002 and 0.00012; gnomAD 0.00004; TOPMed 0.00009; ExAC 0.00013.
gnomAD v4.1: 38 of 1,609,176 alleles (0.0024%); highest among the groups gnomAD compares: Admixed American, 0.06%; no homozygotes.

Submissions (3):

Labcorp Genetics (formerly Invitae), Labcorp
Classification: Likely benign for Bethlem myopathy 1A. Last evaluated: 2025-10-01. Review status: criteria provided, single submitter. Criteria: Invitae Variant Classification Sherloc (09022015). Collection method: clinical testing. Allele origin: germline.

CeGaT Center for Human Genetics Tuebingen
Classification: Likely benign. Last evaluated: 2022-12-01. Review status: criteria provided, single submitter. Criteria: CeGaT Center For Human Genetics Tuebingen Variant Classification Criteria Version 2. Collection method: clinical testing. Allele origin: germline. Affected: yes. Observed: 1 variant allele.
Comment: COL6A2: BP4, BP7

Eurofins Ntd Llc (ga)
Classification: Uncertain significance. Last evaluated: 2017-05-23. Review status: criteria provided, single submitter. Criteria: EGL Classification Definitions 2015. Collection method: clinical testing. Allele origin: germline. Observed: 1 variant allele, 1 heterozygote.